The following is an entry in ClinVar:

ClinVar aggregate classification (germline): Uncertain significance. Review status: criteria provided, multiple submitters, no conflicts (2 of 4 stars). 2 submissions from 2 submitters: Uncertain significance (2). Last evaluated 2025-08-29.

Conditions:
Inborn genetic diseases. Identifiers: MedGen C0950123, MeSH D030342.

Allele frequency attached by ClinVar (database versions not stated): gnomAD exomes below 0.00001; ExAC 0.00001; gnomAD 0.00003; TOPMed 0.00004.
gnomAD v4.1: 9 of 1,613,904 alleles (0.00056%); highest among the groups gnomAD compares: Middle Eastern, 0.033%; no homozygotes.

Submissions (2):

Ambry Genetics
Classification: Uncertain significance for Inborn genetic diseases. Last evaluated: 2025-08-29. Review status: criteria provided, single submitter. Criteria: Ambry Variant Classification Scheme 2023. Collection method: clinical testing. Allele origin: germline.

Labcorp Genetics (formerly Invitae), Labcorp
Classification: Uncertain significance. Last evaluated: 2022-07-30. Review status: criteria provided, single submitter. Criteria: Invitae Variant Classification Sherloc (09022015). Collection method: clinical testing. Allele origin: germline.
Comment: This sequence change replaces glutamic acid, which is acidic and polar, with aspartic acid, which is acidic and polar, at codon 18 of the NDUFAF2 protein (p.Glu18Asp). This variant is present in population databases (rs760999419, gnomAD 0.01%). This variant has not been reported in the literature in individuals affected with NDUFAF2-related conditions. Algorithms developed to predict the effect of missense changes on protein structure and function (SIFT, PolyPhen-2, Align-GVGD) all suggest that this variant is likely to be tolerated. In summary, the available evidence is currently insufficient to determine the role of this variant in disease. Therefore, it has been classified as a Variant of Uncertain Significance.

NM_174889.5(NDUFAF2):c.54A>C (p.Glu18Asp)

Gene: NDUFAF2 (NADH:ubiquinone oxidoreductase complex assembly factor 2; plus strand). Cytogenetic location: 5q12.1.
Variant type: single nucleotide variant.
Coding change: c.54A>C on transcript NM_174889.5 (MANE Select); coding-DNA position 54, A replaced by C.
Protein change: p.Glu18Asp; replaces glutamic acid 18 with aspartic acid.
Molecular consequence: missense variant.
Genome position (GRCh38, 1-based): chr5:60,945,309, A>C. VCF-style: chr5-60945309-A-C. GRCh37 (hg19) VCF-style: chr5-60241136-A-C.
Other names: c.54A>C (NM_174889.4); short protein forms E18D.
Identifiers: ClinVar variation 2201912 (VCV002201912.2), dbSNP rs760999419, ClinGen allele CA3278057.